The following is an entry in ClinVar:

ClinVar aggregate classification (germline): Uncertain significance. Review status: criteria provided, multiple submitters, no conflicts (2 of 4 stars). 3 submissions from 3 submitters: Uncertain significance (2). 1 of the submissions does not count toward it. Last evaluated 2024-09-11.

Conditions:
Familial long QT syndrome (RWS). Also called: Congenital long QT syndrome; Romano-Ward syndrome; VENTRICULAR FIBRILLATION WITH PROLONGED QT INTERVAL. Identifiers: Orphanet 768, MedGen C1141890, MONDO:0019171.
Long QT syndrome (LQTS). Identifiers: MedGen C0023976, MeSH D008133, MONDO:0002442. Disease mechanism: loss of function. Inheritance: Various modes of inheritance.

Allele frequency attached by ClinVar (database versions not stated): gnomAD exomes 0.00001.
gnomAD v4.1: 3 of 1,272,938 alleles (0.00024%); highest among the groups gnomAD compares: South Asian, 0.0029%; no homozygotes.

Submissions (3):

GeneDx
Classification: Uncertain significance. Last evaluated: 2024-09-11. Review status: criteria provided, single submitter. Criteria: GeneDx Variant Classification Process June 2021. Collection method: clinical testing. Allele origin: germline. Affected: yes.
Comment: Has been reported in an individual with LQTS (PMID: 19716085); Not observed at significant frequency in large population cohorts (gnomAD); In silico analysis supports that this missense variant has a deleterious effect on protein structure/function; This variant is associated with the following publications: (PMID: 19716085, 22581653)

Labcorp Genetics (formerly Invitae), Labcorp
Classification: Uncertain significance for Long QT syndrome. Last evaluated: 2021-11-24. Review status: criteria provided, single submitter. Criteria: Invitae Variant Classification Sherloc (09022015). Collection method: clinical testing. Allele origin: germline.
Comment: In summary, the available evidence is currently insufficient to determine the role of this variant in disease. Therefore, it has been classified as a Variant of Uncertain Significance. This sequence change replaces arginine, which is basic and polar, with leucine, which is neutral and non-polar, at codon 301 of the KCNH2 protein (p.Arg301Leu). This variant is not present in population databases (gnomAD no frequency). This missense change has been observed in individual(s) with clinical features of long QT syndrome (PMID: 19716085). ClinVar contains an entry for this variant (Variation ID: 67542). Algorithms developed to predict the effect of missense changes on protein structure and function are either unavailable or do not agree on the potential impact of this missense change (SIFT: "Deleterious"; PolyPhen-2: "Benign"; Align-GVGD: "Class C0").

Cardiovascular Biomedical Research Unit, Royal Brompton & Harefield NHS Foundation Trust
No classification provided. Condition: Familial long QT syndrome. Review status: no classification provided. Collection method: literature only. Allele origin: germline. Not counted in ClinVar's aggregate classification.
Comment: This variant has been reported as associated with Long QT syndrome in the following publications (PMID:19716085). This is a literature report, and does not necessarily reflect the clinical interpretation of the Imperial College / Royal Brompton Cardiovascular Genetics laboratory.

Literature cited by the submitters: PubMed 19716085 (cited by Labcorp Genetics (formerly Invitae), Labcorp and Cardiovascular Biomedical Research Unit, Royal Brompton & Harefield NHS Foundation Trust); PubMed 22581653 (cited by Cardiovascular Biomedical Research Unit, Royal Brompton & Harefield NHS Foundation Trust).

NM_000238.4(KCNH2):c.902G>T (p.Arg301Leu)

Gene: KCNH2 (potassium voltage-gated channel subfamily H member 2; minus strand). Cytogenetic location: 7q36.1.
Variant type: single nucleotide variant.
Coding change: c.902G>T on transcript NM_000238.4 (MANE Select); coding-DNA position 902, G replaced by T.
Protein change: p.Arg301Leu; replaces arginine 301 with leucine.
Molecular consequence: missense variant.
Genome position (GRCh38, 1-based): chr7:150,958,073, C>A on the plus strand (G>T on the coding strand, the complement: KCNH2 is on the minus strand). VCF-style: chr7-150958073-C-A. GRCh37 (hg19) VCF-style: chr7-150655161-C-A.
Other names: c.902G>T (LRG_288t1, NM_000238.2); c.902G>T, p.Arg301Leu (NM_172056.3); c.614G>T, p.Arg205Leu (NM_001406753.1, NM_001406756.1); c.725G>T, p.Arg242Leu (NM_001406755.1); c.602G>T, p.Arg201Leu (NM_001406757.1); short protein forms R301L, R205L, R201L, R242L.
Identifiers: ClinVar variation 67542 (VCV000067542.8), dbSNP rs199472883, ClinGen allele CA008974.